The following is an entry in ClinVar:

ClinVar aggregate classification (germline): Pathogenic/Likely pathogenic. Review status: criteria provided, multiple submitters, no conflicts (2 of 4 stars). 5 submissions from 5 submitters: Pathogenic (3); Likely pathogenic (2). Last evaluated 2025-08-18.

Conditions:
Hereditary pheochromocytoma and paraganglioma. Also called: Hereditary Paraganglioma-Pheochromocytoma Syndromes; Hereditary pheochromocytoma-paraganglioma; Hereditary paragangliomas and pheochromocytomas. Identifiers: Orphanet 29072, MedGen C4274332, MONDO:0017366.
Hereditary cancer-predisposing syndrome. Also called: Tumor predisposition; Hereditary Cancer Syndrome; Hereditary neoplastic syndrome; Neoplastic Syndromes, Hereditary. Identifiers: Orphanet 140162, MedGen C0027672, MeSH D009386, MONDO:0015356.
Pheochromocytoma. Also called: MAX-Related Hereditary Paraganglioma-Pheochromocytoma Syndrome. Identifiers: Orphanet 29072, MedGen C0031511, MONDO:0008233, OMIM 171300, HP:0002666.

Submissions (5):

Labcorp Genetics (formerly Invitae), Labcorp
Classification: Pathogenic for Hereditary pheochromocytoma and paraganglioma. Last evaluated: 2025-08-18. Review status: criteria provided, single submitter. Criteria: Invitae Variant Classification Sherloc (09022015). Collection method: clinical testing. Allele origin: germline.
Comment: This sequence change creates a premature translational stop signal (p.His133Ilefs*3) in the TMEM127 gene. While this is not anticipated to result in nonsense mediated decay, it is expected to disrupt the last 106 amino acid(s) of the TMEM127 protein. This variant is not present in population databases (gnomAD no frequency). This variant has not been reported in the literature in individuals affected with TMEM127-related conditions. ClinVar contains an entry for this variant (Variation ID: 575099). This variant disrupts a region of the TMEM127 protein in which other variant(s) (p.Gln157*) have been determined to be pathogenic (PMID: 22419703; internal data). This suggests that this is a clinically significant region of the protein, and that variants that disrupt it are likely to be disease-causing. For these reasons, this variant has been classified as Pathogenic.

GeneDx
Classification: Likely pathogenic. Last evaluated: 2025-03-23. Review status: criteria provided, single submitter. Criteria: GeneDx Variant Classification Process June 2021. Collection method: clinical testing. Allele origin: germline.
Comment: Frameshift variant predicted to result in protein truncation, as the last 106 amino acids are replaced with 2 different amino acids, and other loss-of-function variants have been reported downstream in HGMD and at GeneDx in association with TMEM127-related disorder(s); Not observed at significant frequency in large population cohorts (gnomAD); Has not been previously published as pathogenic or benign to our knowledge; This variant is associated with the following publications: (PMID: 22419703, 21156949)

CeGaT Center for Human Genetics Tuebingen
Classification: Likely pathogenic. Last evaluated: 2025-02-01. Review status: criteria provided, single submitter. Criteria: CeGaT Center For Human Genetics Tuebingen Variant Classification Criteria Version 2. Collection method: clinical testing. Allele origin: germline. Affected: yes. Observed: 1 variant allele.
Comment: TMEM127: PVS1:Strong, PM2

Ambry Genetics
Classification: Pathogenic for Hereditary cancer-predisposing syndrome. Last evaluated: 2023-01-30. Review status: criteria provided, single submitter. Criteria: Ambry Variant Classification Scheme 2023. Collection method: clinical testing. Allele origin: germline.
Comment: The c.397delC pathogenic mutation, located in coding exon 2 of the TMEM127 gene, results from a deletion of one nucleotide at nucleotide position 397, causing a translational frameshift with a predicted alternate stop codon (p.H133Ifs*3). This alteration occurs at the 3' terminus of theTMEM127 gene, is not expected to trigger nonsense-mediated mRNA decay, and impacts the last 106 amino acids of the protein. However, premature stop codons are typically deleterious in nature and a significant portion of the protein is affected (Ambry internal data). This variant is considered to be rare based on population cohorts in the Genome Aggregation Database (gnomAD). Based on the supporting evidence, this alteration is interpreted as a disease-causing mutation.

Molecular Diagnostics Laboratory, M Health Fairview: University of Minnesota
Classification: Pathogenic for Pheochromocytoma. Last evaluated: 2021-01-26. Review status: criteria provided, single submitter. Criteria: ACMG Guidelines, 2015. Collection method: clinical testing. Allele origin: germline. Affected: no.

Literature cited by the submitters: PubMed 22419703 (cited by Labcorp Genetics (formerly Invitae), Labcorp).

NM_017849.4(TMEM127):c.397del (p.His133fs)

Gene: TMEM127 (transmembrane protein 127; minus strand). Cytogenetic location: 2q11.2.
Variant type: Deletion.
Coding change: c.397del on transcript NM_017849.4 (MANE Select); coding-DNA position 397, one base deleted (C; older notation c.397delC).
Protein change: p.His133fs; shifts the reading frame from histidine 133.
Molecular consequence: frameshift variant.
Genome position (GRCh38, 1-based): chr2:96,254,845, G deleted on the plus strand (C on the coding strand, the reverse complement: TMEM127 is on the minus strand); the first of 3 consecutive G bases (chr2:96,254,845-96,254,847); deleting any one gives the same sequence. VCF-style (leftmost placement, unchanged base first): chr2-96254844-TG-T. GRCh37 (hg19) VCF-style: chr2-96920582-TG-T.
Other names: c.397delC (NM_017849.3); c.397del, p.His133fs (NM_001193304.3); c.397del (NM_017849.3); short protein forms H133fs.
Identifiers: ClinVar variation 575099 (VCV000575099.27), dbSNP rs1558752379, ClinGen allele CA891842993.
Genomic context (GRCh38, chr2:96,254,844, plus strand): 5'-CCCACCCTGTAGCAGTTCCTCTCCCACTGTGAGCAGGCTCACGGCTTACCCGTTAGGATA[TG>T]GGCGAAGGCATAGCGACGAGTGATCTTCAGAGCAGGATGCTTCGGCCCAAAGACATCCAG-3'